The following is an entry in ClinVar:

ClinVar aggregate classification (germline): Uncertain significance. Review status: criteria provided, multiple submitters, no conflicts (2 of 4 stars). 2 submissions from 2 submitters: Uncertain significance (2). Last evaluated 2023-08-17.

Allele frequency attached by ClinVar (database versions not stated): gnomAD exomes 0.00002; gnomAD 0.00003; ExAC 0.00004; TOPMed 0.00005; ESP Exome Variant Server 0.00015.
gnomAD v4.1: 37 of 1,613,834 alleles (0.0023%); highest among the groups gnomAD compares: Middle Eastern, 0.017%; no homozygotes.

Submissions (2):

Labcorp Genetics (formerly Invitae), Labcorp
Classification: Uncertain significance. Last evaluated: 2023-08-17. Review status: criteria provided, single submitter. Criteria: Invitae Variant Classification Sherloc (09022015). Collection method: clinical testing. Allele origin: germline.
Comment: In summary, the available evidence is currently insufficient to determine the role of this variant in disease. Therefore, it has been classified as a Variant of Uncertain Significance. Algorithms developed to predict the effect of missense changes on protein structure and function output the following: SIFT: "Not Available"; PolyPhen-2: "Benign"; Align-GVGD: "Not Available". The histidine amino acid residue is found in multiple mammalian species, which suggests that this missense change does not adversely affect protein function. This variant has not been reported in the literature in individuals affected with FCHO1-related conditions. This variant is present in population databases (rs377008306, gnomAD 0.05%). This sequence change replaces arginine, which is basic and polar, with histidine, which is basic and polar, at codon 723 of the FCHO1 protein (p.Arg723His).

Ambry Genetics
Classification: Uncertain significance. Last evaluated: 2023-06-21. Review status: criteria provided, single submitter. Criteria: Ambry Variant Classification Scheme 2023. Collection method: clinical testing. Allele origin: germline.

NM_015122.3(FCHO1):c.2168G>A (p.Arg723His)

Gene: FCHO1 (FCH and mu domain containing endocytic adaptor 1; plus strand). Cytogenetic location: 19p13.11.
Variant type: single nucleotide variant.
Coding change: c.2168G>A on transcript NM_015122.3 (MANE Select); coding-DNA position 2168, G replaced by A.
Protein change: p.Arg723His; replaces arginine 723 with histidine.
Molecular consequence: missense variant. On other transcripts: non-coding transcript variant (35), intron variant (2).
Genome position (GRCh38, 1-based): chr19:17,784,177, G>A. VCF-style: chr19-17784177-G-A. GRCh37 (hg19) VCF-style: chr19-17894986-G-A.
Other names: c.2168G>A, p.Arg723His (NM_001161357.2, NM_001161358.2, NM_001384370.1 and 13 more transcripts); c.2018G>A, p.Arg673His (NM_001161359.2, NM_001384384.1, NM_001384385.1 and 1 more transcripts); c.2129G>A, p.Arg710His (NM_001384388.1, NM_001384389.1); c.2093G>A, p.Arg698His (NM_001384390.1); c.2051G>A, p.Arg684His (NM_001384392.1, NM_001384393.1, NM_001384394.1 and 1 more transcripts); c.1892G>A, p.Arg631His (NM_001384396.1, NM_001384397.1, NM_001384398.1 and 5 more transcripts); c.1847G>A, p.Arg616His (NM_001384403.1); c.1742G>A, p.Arg581His (NM_001384406.1); and 2 more; short protein forms R710H, R723H, R616H, R631H, R673H, R684H, R581H, R698H.
Identifiers: ClinVar variation 2599590 (VCV002599590.4), dbSNP rs377008306, ClinGen allele CA9300779.